The following is an entry in ClinVar:

NM_000254.3(MTR):c.108G>A (p.Gly36=)

Gene: MTR (5-methyltetrahydrofolate-homocysteine methyltransferase; plus strand). Cytogenetic location: 1q43.
Variant type: single nucleotide variant.
Coding change: c.108G>A on transcript NM_000254.3 (MANE Select); coding-DNA position 108, G replaced by A.
Protein change: p.Gly36=; no amino-acid change (glycine 36 retained).
Molecular consequence: synonymous variant. On other transcripts: 5 prime UTR variant (1).
Genome position (GRCh38, 1-based): chr1:236,803,501, G>A. VCF-style: chr1-236803501-G-A. GRCh37 (hg19) VCF-style: chr1-236966801-G-A.
Other names: c.108G>A, p.Gly36= (NM_001291939.1); c.-1001G>A (NM_001291940.2).
Identifiers: ClinVar variation 391043 (VCV000391043.9), dbSNP rs1057523951, ClinGen allele CA16603602.

ClinVar aggregate classification (germline): Likely benign. Review status: criteria provided, multiple submitters, no conflicts (2 of 4 stars). 2 submissions from 2 submitters: Likely benign (2). Last evaluated 2024-11-05.

Conditions:
Methylcobalamin deficiency type cblG (HMAG). Also called: HOMOCYSTINURIA-MEGALOBLASTIC ANEMIA, cblG COMPLEMENTATION TYPE; HOMOCYSTINURIA-MEGALOBLASTIC ANEMIA, cblG TYPE; HOMOCYSTINURIA-MEGALOBLASTIC ANEMIA DUE TO DEFECT IN COBALAMIN METABOLISM, cblG COMPLEMENTATION TYPE; Functional methionine synthase deficiency type cblG. Identifiers: Orphanet 2170, Orphanet 622, MedGen C1855128, MONDO:0009609, OMIM 250940.

Allele frequency attached by ClinVar (database versions not stated): gnomAD exomes below 0.00001; gnomAD 0.00001; TOPMed 0.00001.
gnomAD v4.1: 6 of 1,614,044 alleles (0.00037%); highest among the groups gnomAD compares: Admixed American, 0.01%; no homozygotes.

Submissions (2):

Labcorp Genetics (formerly Invitae), Labcorp
Classification: Likely benign for Methylcobalamin deficiency type cblG. Last evaluated: 2024-11-05. Review status: criteria provided, single submitter. Criteria: Invitae Variant Classification Sherloc (09022015). Collection method: clinical testing. Allele origin: germline.

GeneDx
Classification: Likely benign. Last evaluated: 2016-11-22. Review status: criteria provided, single submitter. Criteria: GeneDx Variant Classification (06012015). Collection method: clinical testing. Allele origin: germline. Affected: yes.
Comment: This variant is considered likely benign or benign based on one or more of the following criteria: it is a conservative change, it occurs at a poorly conserved position in the protein, it is predicted to be benign by multiple in silico algorithms, and/or has population frequency not consistent with disease.